The following is an entry in ClinVar:

NM_001283009.2(RTEL1):c.2992+492_3068del

Genes: RTEL1 (regulator of telomere elongation helicase 1; plus strand), RTEL1-TNFRSF6B (RTEL1-TNFRSF6B readthrough (NMD candidate); plus strand). Cytogenetic location: 20q13.33.
Variant type: Deletion.
Coding change: c.2992+492_3068del on transcript NM_001283009.2 (MANE Select); 492 bases into the intron after coding-DNA position 2992 through coding-DNA position 3068, 673 bases deleted.
Molecular consequence: splice acceptor variant.
Genome position (GRCh38, 1-based): chr20:63,693,775-63,694,447, 673 bases deleted. GRCh37 (hg19): chr20:62,325,128-62,325,800.
Other names: c.2323+492_2399del (NM_001283010.1); c.3064+492_3140del (NM_032957.5); c.2992+492_3068del (NM_016434.4).
Identifiers: ClinVar variation 2090535 (VCV002090535.4), dbSNP rs2517186228, ClinGen allele CA2580098530.

ClinVar aggregate classification (germline): Likely pathogenic (1 of 4 stars; one submission).

Conditions:
Dyskeratosis congenita, autosomal recessive 5 (DKCB5). Identifiers: MedGen C3554656, MONDO:0014076, OMIM 615190.
Pulmonary fibrosis and/or bone marrow failure, Telomere-related, 3. Also called: PULMONARY FIBROSIS AND/OR BONE MARROW FAILURE SYNDROME, TELOMERE-RELATED, 3. Identifiers: Orphanet 2032, MedGen C4225346, MONDO:0014613, OMIM 616373.

Submission:

Labcorp Genetics (formerly Invitae), Labcorp
Classification: Likely pathogenic for Dyskeratosis congenita, autosomal recessive 5; Pulmonary fibrosis and/or bone marrow failure, Telomere-related, 3. Last evaluated: 2022-01-27. Review status: criteria provided, single submitter. Criteria: Invitae Variant Classification Sherloc (09022015). Collection method: clinical testing. Allele origin: germline.
Comment: This variant results in the deletion of part of exon 31 (c.2992+492_3068del) of the RTEL1 gene. It is expected to disrupt RNA splicing. Variants that disrupt the donor or acceptor splice site typically lead to a loss of protein function (PMID: 16199547), and loss-of-function variants in RTEL1 are known to be pathogenic (PMID: 23453664, 23959892, 25607374). This variant is not present in population databases (gnomAD no frequency). This variant has not been reported in the literature in individuals affected with RTEL1-related conditions. Experimental studies and prediction algorithms are not available or were not evaluated, and the effect of this variant on mRNA splicing is currently unknown. In summary, the currently available evidence indicates that the variant is pathogenic, but additional data are needed to prove that conclusively. Therefore, this variant has been classified as Likely Pathogenic.

Literature cited by the submitters: PubMed 16199547; PubMed 23453664; PubMed 23959892; PubMed 25607374.